The following is an entry in ClinVar:

ClinVar aggregate classification (germline): Uncertain significance (1 of 4 stars; one submission).

gnomAD v4.1: 3 of 1,613,942 alleles (0.00019%); highest among the groups gnomAD compares: East Asian, 0.0067%; no homozygotes.

Submission:

Labcorp Genetics (formerly Invitae), Labcorp
Classification: Uncertain significance. Last evaluated: 2025-11-24. Review status: criteria provided, single submitter. Criteria: Invitae Variant Classification Sherloc (09022015). Collection method: clinical testing. Allele origin: germline.
Comment: This sequence change replaces glutamine, which is neutral and polar, with histidine, which is basic and polar, at codon 652 of the TET2 protein (p.Gln652His). This variant is present in population databases (rs745592812, gnomAD 0.01%). This variant has not been reported in the literature in individuals affected with TET2-related conditions. An algorithm developed to predict the effect of missense changes on protein structure and function outputs the following: PolyPhen-2: "Benign". The histidine amino acid residue is found in multiple mammalian species, which suggests that this missense change does not adversely affect protein function. In summary, the available evidence is currently insufficient to determine the role of this variant in disease. Therefore, it has been classified as a Variant of Uncertain Significance.

NM_001127208.3(TET2):c.1956G>C (p.Gln652His)

Genes: TET2 (tet methylcytosine dioxygenase 2; plus strand), TET2-AS1 (TET2 antisense RNA 1; minus strand). Cytogenetic location: 4q24.
Variant type: single nucleotide variant.
Coding change: c.1956G>C on transcript NM_001127208.3 (MANE Select); coding-DNA position 1956, G replaced by C.
Protein change: p.Gln652His; replaces glutamine 652 with histidine.
Molecular consequence: missense variant.
Genome position (GRCh38, 1-based): chr4:105,235,898, G>C. VCF-style: chr4-105235898-G-C. GRCh37 (hg19) VCF-style: chr4-106157055-G-C.
Other names: c.1956G>C, p.Gln652His (NM_017628.4); short protein forms Q652H.
Identifiers: ClinVar variation 4764232 (VCV004764232.1).